The following is an entry in ClinVar:

ClinVar aggregate classification (germline): Uncertain significance (1 of 4 stars; one submission).

Submission:

GeneDx
Classification: Uncertain significance. Last evaluated: 2022-07-05. Review status: criteria provided, single submitter. Criteria: GeneDx Variant Classification Process June 2021. Collection method: clinical testing. Allele origin: germline. Affected: yes.
Comment: Has not been previously published as pathogenic or benign to our knowledge; Not observed in large population cohorts (gnomAD); In silico analysis supports that this missense variant does not alter protein structure/function; In-silico analysis is inconclusive as to whether the variant alters gene splicing. In the absence of RNA/functional studies, the actual effect of this sequence change is unknown.

NM_000363.5(TNNI3):c.107A>C (p.Lys36Thr)

Gene: TNNI3 (troponin I3, cardiac type; minus strand). Cytogenetic location: 19q13.42.
Variant type: single nucleotide variant.
Coding change: c.107A>C on transcript NM_000363.5 (MANE Select); coding-DNA position 107, A replaced by C.
Protein change: p.Lys36Thr; replaces lysine 36 with threonine.
Molecular consequence: missense variant.
Genome position (GRCh38, 1-based): chr19:55,157,051, T>G on the plus strand (A>C on the coding strand, the complement: TNNI3 is on the minus strand). VCF-style: chr19-55157051-T-G. GRCh37 (hg19) VCF-style: chr19-55668419-T-G.
Other names: c.107A>C (LRG_432t1); short protein forms K36T.
Identifiers: ClinVar variation 265273 (VCV000265273.4), dbSNP rs886039441, ClinGen allele CA10588688.